The following is an entry in ClinVar:

NM_000096.4(CP):c.991C>A (p.Pro331Thr)

Gene: CP (ceruloplasmin; minus strand). Cytogenetic location: 3q25.1.
Variant type: single nucleotide variant.
Coding change: c.991C>A on transcript NM_000096.4 (MANE Select); coding-DNA position 991, C replaced by A.
Protein change: p.Pro331Thr; replaces proline 331 with threonine.
Molecular consequence: missense variant. On other transcripts: non-coding transcript variant (1).
Genome position (GRCh38, 1-based): chr3:149,207,408, G>T on the plus strand (C>A on the coding strand, the complement: CP is on the minus strand). VCF-style: chr3-149207408-G-T. GRCh37 (hg19) VCF-style: chr3-148925195-G-T.
Other names: short protein forms P331T.
Identifiers: ClinVar variation 1395240 (VCV001395240.6), dbSNP rs376348284, ClinGen allele CA354913946.

ClinVar aggregate classification (germline): Uncertain significance (1 of 4 stars; one submission).

Conditions:
Deficiency of ferroxidase (ACEP). Also called: Deficiency of ceruloplasmin; Ceruloplasmin deficiency; Familial apoceruloplasmin deficiency; Hereditary ceruloplasmin deficiency; NEURODEGENERATION WITH BRAIN IRON ACCUMULATION 10; Aceruloplasminemia. Identifiers: Orphanet 48818, MedGen C0878682, MONDO:0011426, OMIM 604290, HP:0025498.

Allele frequency attached by ClinVar (database versions not stated): gnomAD exomes below 0.00001.
gnomAD v4.1: 1 of 1,613,890 alleles (0.000062%); highest among the groups gnomAD compares: Non-Finnish European, 0.000085%; no homozygotes.

Submission:

Labcorp Genetics (formerly Invitae), Labcorp
Classification: Uncertain significance for Deficiency of ferroxidase. Last evaluated: 2022-05-27. Review status: criteria provided, single submitter. Criteria: Invitae Variant Classification Sherloc (09022015). Collection method: clinical testing. Allele origin: germline.
Comment: This sequence change replaces proline, which is neutral and non-polar, with threonine, which is neutral and polar, at codon 331 of the CP protein (p.Pro331Thr). This variant is not present in population databases (gnomAD no frequency). This variant has not been reported in the literature in individuals affected with CP-related conditions. Advanced modeling of protein sequence and biophysical properties (such as structural, functional, and spatial information, amino acid conservation, physicochemical variation, residue mobility, and thermodynamic stability) performed at Invitae indicates that this missense variant is expected to disrupt CP protein function. In summary, the available evidence is currently insufficient to determine the role of this variant in disease. Therefore, it has been classified as a Variant of Uncertain Significance.